The following is an entry in ClinVar:

ClinVar aggregate classification (germline): Pathogenic (1 of 4 stars; one submission).

Conditions:
Refsum disease, classic. Also called: HEREDOPATHIA ATACTICA POLYNEURITIFORMIS; HMSN IV; PHYTANIC ACID OXIDASE DEFICIENCY; PHYH-Related Refsum Disease. Identifiers: Orphanet 773, MedGen C5780941, MONDO:1060256, OMIM 266500. Disease mechanism: loss of function.

Submission:

Myriad Genetics, Inc.
Classification: Pathogenic for Refsum disease, classic. Last evaluated: 2024-05-14. Review status: criteria provided, single submitter. Criteria: Myriad Autosomal Dominant, Autosomal Recessive and X-Linked Classification Criteria (2023). Collection method: clinical testing. Allele origin: unknown.
Comment: NM_006214.3(PHYH):c.509del1ins12(S170Yfs*52) is expected to be pathogenic in the context of Refsum disease, PHYH-related. This variant is predicted to lead to an abnormal or absent protein product due to the creation of a premature termination codon in PHYH, a gene where loss-of-function variants are known to be pathogenic. Please note: this variant was assessed in the context of healthy population screening.

NM_006214.4(PHYH):c.509delinsATAAGAGACAGT (p.Ser170fs)

Gene: PHYH (phytanoyl-CoA 2-hydroxylase; minus strand). Cytogenetic location: 10p13.
Variant type: Indel.
Coding change: c.509delinsATAAGAGACAGT on transcript NM_006214.4 (MANE Select); coding-DNA position 509, C replaced by ATAAGAGACAGT.
Protein change: p.Ser170fs; shifts the reading frame from serine 170.
Molecular consequence: frameshift variant. On other transcripts: intron variant (1).
Genome position (GRCh38, 1-based): chr10:13,288,529, G replaced by ACTGTCTCTTAT on the plus strand (C replaced by ATAAGAGACAGT on the coding strand, the reverse complement: PHYH is on the minus strand). VCF-style: chr10-13288529-G-ACTGTCTCTTAT. GRCh37 (hg19) VCF-style: chr10-13330529-G-ACTGTCTCTTAT.
Other names: c.209delinsATAAGAGACAGT, p.Ser70fs (NM_001037537.2, NM_001323080.2); c.515delinsATAAGAGACAGT, p.Ser172fs (NM_001323082.2); c.215delinsATAAGAGACAGT, p.Ser72fs (NM_001323084.2); c.415-4690delinsATAAGAGACAGT (NM_001323083.2); short protein forms S170fs, S172fs, S70fs, S72fs.
Identifiers: ClinVar variation 5010789 (VCV005010789.1).